The following is an entry in ClinVar:

NM_001369.3(DNAH5):c.5567T>G (p.Met1856Arg)

Gene: DNAH5 (dynein axonemal heavy chain 5; minus strand). Cytogenetic location: 5p15.2.
Variant type: single nucleotide variant.
Coding change: c.5567T>G on transcript NM_001369.3 (MANE Select); coding-DNA position 5567, T replaced by G.
Protein change: p.Met1856Arg; replaces methionine 1856 with arginine.
Molecular consequence: missense variant.
Genome position (GRCh38, 1-based): chr5:13,841,048, A>C on the plus strand (T>G on the coding strand, the complement: DNAH5 is on the minus strand). VCF-style: chr5-13841048-A-C. GRCh37 (hg19) VCF-style: chr5-13841157-A-C.
Other names: short protein forms M1856R.
Identifiers: ClinVar variation 4855248 (VCV004855248.1).
Genomic context (GRCh38, chr5:13,841,048, plus strand): 5'-CTCGTGGTGACGTCTATCAATGTATTGAGTAGCTCCAGGAAAGCCTGATTAGTTTTCTGC[A>C]TGATTTTTTTATCAAACTTGGCATTTCTAAGGGCTTCTTCTGAATCCCGTGTCCATATCA-3'
Protein context (NP_001360.1, residues 1846-1866): LRNAKFDKKI[Met1856Arg]QKTNQAFLEL

ClinVar aggregate classification (germline): Uncertain significance (1 of 4 stars; one submission).

Conditions:
Primary ciliary dyskinesia 3. Identifiers: Orphanet 244, MedGen C1837618, MONDO:0012085, OMIM 608644.

Submission:

3billion
Classification: Uncertain significance for Primary ciliary dyskinesia 3. Last evaluated: 2025-10-31. Review status: criteria provided, single submitter. Criteria: ACMG Guidelines, 2015. Collection method: clinical testing. Allele origin: germline. Affected: yes.
Comment: The variant is not observed in the gnomAD v4.1.0 dataset. Predicted Consequence/Location: Missense variant. The majority of the known disease-causing variants of this gene are variants expected to result in premature termination of the protein. In silico tool predictions suggest damaging effect of the variant on gene or gene product [REVEL: 0.69 (>=0.6, sensitivity 0.68 and specificity 0.92)]. Therefore, this variant is classified as VUS according to the recommendation of ACMG/AMP guideline.